The following is an entry in ClinVar:

NM_006440.5(TXNRD2):c.17T>C (p.Val6Ala)

Genes: COMT (catechol-O-methyltransferase; plus strand), TXNRD2 (thioredoxin reductase 2; minus strand). Cytogenetic location: 22q11.21.
Variant type: single nucleotide variant.
Coding change: c.17T>C on transcript NM_006440.5 (MANE Select); coding-DNA position 17, T replaced by C.
Protein change: p.Val6Ala; replaces valine 6 with alanine.
Molecular consequence: missense variant. On other transcripts: non-coding transcript variant (1), 5 prime UTR variant (2).
Genome position (GRCh38, 1-based): chr22:19,941,787, A>G on the plus strand (T>C on the coding strand, the complement: TXNRD2 is on the minus strand). VCF-style: chr22-19941787-A-G. GRCh37 (hg19) VCF-style: chr22-19929310-A-G.
Other names: c.17T>C, p.Val6Ala (NM_001282512.3, NM_001352300.2); c.-202A>G (NM_000754.4); c.-496A>G (NM_001362828.2); short protein forms V6A.
Identifiers: ClinVar variation 1780378 (VCV001780378.2), dbSNP rs571085983, ClinGen allele CA410700152.

ClinVar aggregate classification (germline): Uncertain significance (1 of 4 stars; one submission).

Conditions:
Cardiovascular phenotype. Identifiers: MedGen CN230736.

Allele frequency attached by ClinVar (database versions not stated): gnomAD exomes below 0.00001.
gnomAD v4.1: 4 of 1,528,088 alleles (0.00026%); highest among the groups gnomAD compares: Non-Finnish European, 0.00026%; no homozygotes.

Submission:

Ambry Genetics
Classification: Uncertain significance for Cardiovascular phenotype. Last evaluated: 2021-12-16. Review status: criteria provided, single submitter. Criteria: Ambry Variant Classification Scheme 2023. Collection method: clinical testing. Allele origin: germline.
Comment: The p.V6A variant (also known as c.17T>C), located in coding exon 1 of the TXNRD2 gene, results from a T to C substitution at nucleotide position 17. The valine at codon 6 is replaced by alanine, an amino acid with similar properties. This amino acid position is conserved. In addition, this alteration is predicted to be tolerated by in silico analysis. Since supporting evidence is limited at this time, the clinical significance of this alteration remains unclear.